The following is an entry in ClinVar:

ClinVar aggregate classification (germline): Uncertain significance. Review status: criteria provided, multiple submitters, no conflicts (2 of 4 stars). 3 submissions from 3 submitters: Uncertain significance (3). Last evaluated 2025-09-25.

Conditions:
TYR-related disorder. Also called: TYR-related condition.

Allele frequency attached by ClinVar (database versions not stated): TOPMed below 0.00001; ExAC 0.00002.
gnomAD v4.1: 11 of 1,614,188 alleles (0.00068%); highest among the groups gnomAD compares: South Asian, 0.0077%; no homozygotes.

Submissions (3):

PreventionGenetics, part of Exact Sciences
Classification: Uncertain significance for TYR-related condition. Last evaluated: 2025-09-25. Review status: criteria provided, single submitter. Criteria: ACMG Guidelines, 2015. Collection method: clinical testing. Allele origin: germline.
Comment: The TYR c.87C>A variant is predicted to result in the amino acid substitution p.Asn29Lys. This variant has been reported as a complex allele with the known pathogenic variant c.1217C>T (p.Pro406Leu); in all three individuals with oculocutaneous albinism, this complex allele was reported with another TYR variant on the opposite allele (i.e., in trans) (Mauri et al. 2017. PubMed ID: 27734839). This variant is present in 0.0065% of alleles in individuals of South Asian descent in gnomAD. The c.1217C>T (p.Pro406Leu) is present in a much higher percentage of the population with the highest being 1.1% of alleles in individuals of European (Finnish) descent in gnomAD. While this c.87C>A variant is present in a much smaller percentage of the population, the gnomAD data supports that when it is present, it is part of a complex allele with the c.1217C>T variant. Therefore, although we suspect this variant may be pathogenic, at this time, the clinical significance of this variant is uncertain due to the absence of conclusive functional and genetic evidence.

Labcorp Genetics (formerly Invitae), Labcorp
Classification: Uncertain significance. Last evaluated: 2022-05-09. Review status: criteria provided, single submitter. Criteria: Invitae Variant Classification Sherloc (09022015). Collection method: clinical testing. Allele origin: germline.
Comment: This sequence change replaces asparagine, which is neutral and polar, with lysine, which is basic and polar, at codon 29 of the TYR protein (p.Asn29Lys). This variant is present in population databases (rs748836772, gnomAD 0.006%). This missense change has been observed in individuals with oculocutaneous albinism (PMID: 27734839). Advanced modeling of protein sequence and biophysical properties (such as structural, functional, and spatial information, amino acid conservation, physicochemical variation, residue mobility, and thermodynamic stability) performed at Invitae indicates that this missense variant is not expected to disrupt TYR protein function. In summary, the available evidence is currently insufficient to determine the role of this variant in disease. Therefore, it has been classified as a Variant of Uncertain Significance.

Blueprint Genetics
Classification: Uncertain significance. Last evaluated: 2017-06-13. Review status: criteria provided, single submitter. Criteria: ACMG Guidelines, 2015. Collection method: clinical testing. Allele origin: germline.

Literature cited by the submitters: PubMed 27734839 (cited by Labcorp Genetics (formerly Invitae), Labcorp).

NM_000372.5(TYR):c.87C>A (p.Asn29Lys)

Gene: TYR (tyrosinase; plus strand). Cytogenetic location: 11q14.3.
Variant type: single nucleotide variant.
Coding change: c.87C>A on transcript NM_000372.5 (MANE Select); coding-DNA position 87, C replaced by A.
Protein change: p.Asn29Lys; replaces asparagine 29 with lysine.
Molecular consequence: missense variant.
Genome position (GRCh38, 1-based): chr11:89,178,040, C>A. VCF-style: chr11-89178040-C-A. GRCh37 (hg19) VCF-style: chr11-88911208-C-A.
Other names: c.87C>A (NM_000372.4); short protein forms N29K.
Identifiers: ClinVar variation 2137221 (VCV002137221.3), dbSNP rs748836772, ClinGen allele CA6221035.